The following is an entry in ClinVar:

ClinVar aggregate classification (germline): Uncertain significance (1 of 4 stars; one submission).

Conditions:
Catecholaminergic polymorphic ventricular tachycardia (CVPT). Also called: Catecholamine-induced polymorphic ventricular tachycardia. Identifiers: Orphanet 3286, MedGen C5574922, MONDO:0017990.

Submission:

Labcorp Genetics (formerly Invitae), Labcorp
Classification: Uncertain significance for Catecholaminergic polymorphic ventricular tachycardia 1. Last evaluated: 2020-07-13. Review status: criteria provided, single submitter. Criteria: Invitae Variant Classification Sherloc (09022015). Collection method: clinical testing. Allele origin: germline.
Comment: This variant is a gross deletion of the genomic region encompassing exon 34 of the TRDN gene. This is predicted to lead to an in-frame deletion, preserving the integrity of the reading frame. This variant has not been reported in the literature in individuals with a TRDN-related disease. Experimental studies and prediction algorithms are not available for this variant, and the functional significance of the deleted amino acids is currently unknown. In summary, this variant is a novel in-frame deletion with uncertain impact on protein function. It has been classified as a Variant of Uncertain Significance.

NC_000006.11:g.(?_123581747)_(123581793_?)del

Gene: TRDN (triadin; minus strand). Cytogenetic location: 6q22.31.
Variant type: Deletion.
Identifiers: ClinVar variation 1024711 (VCV001024711.2).